The following is an entry in ClinVar:

NM_033026.6(PCLO):c.14810G>A (p.Arg4937Gln)

Genes: PCLO (piccolo presynaptic cytomatrix protein; minus strand), LOC126860089 (MED14-independent group 3 enhancer GRCh37_chr7:82434470-82435669; plus strand). Cytogenetic location: 7q21.11.
Variant type: single nucleotide variant.
Coding change: c.14810G>A on transcript NM_033026.6 (MANE Select); coding-DNA position 14810, G replaced by A.
Protein change: p.Arg4937Gln; replaces arginine 4937 with glutamine.
Molecular consequence: missense variant.
Genome position (GRCh38, 1-based): chr7:82,805,811, C>T on the plus strand (G>A on the coding strand, the complement: PCLO is on the minus strand). VCF-style: chr7-82805811-C-T. GRCh37 (hg19) VCF-style: chr7-82435127-C-T.
Other names: short protein forms R4937Q.
Identifiers: ClinVar variation 2068694 (VCV002068694.4), dbSNP rs1262945925, ClinGen allele CA368018668.

ClinVar aggregate classification (germline): Uncertain significance (1 of 4 stars; one submission).

Allele frequency attached by ClinVar (database versions not stated): gnomAD 0.00001; gnomAD exomes 0.00001; TOPMed 0.00002.
gnomAD v4.1: 15 of 1,604,148 alleles (0.00094%); highest among the groups gnomAD compares: Admixed American, 0.0017%; no homozygotes.

Submission:

Labcorp Genetics (formerly Invitae), Labcorp
Classification: Uncertain significance. Last evaluated: 2022-02-08. Review status: criteria provided, single submitter. Criteria: Invitae Variant Classification Sherloc (09022015). Collection method: clinical testing. Allele origin: germline.
Comment: In summary, the available evidence is currently insufficient to determine the role of this variant in disease. Therefore, it has been classified as a Variant of Uncertain Significance. Algorithms developed to predict the effect of sequence changes on RNA splicing suggest that this variant may create or strengthen a splice site. Algorithms developed to predict the effect of missense changes on protein structure and function are either unavailable or do not agree on the potential impact of this missense change (SIFT: "Tolerated"; PolyPhen-2: "Not Available"; Align-GVGD: "Class C0"). This variant has not been reported in the literature in individuals affected with PCLO-related conditions. This variant is not present in population databases (gnomAD no frequency). This sequence change replaces arginine, which is basic and polar, with glutamine, which is neutral and polar, at codon 4937 of the PCLO protein (p.Arg4937Gln).